The following is an entry in ClinVar:

NM_001875.5(CPS1):c.1593_1594dup (p.Lys532fs)

Gene: CPS1 (carbamoyl-phosphate synthase 1; plus strand). Cytogenetic location: 2q34.
Variant type: Duplication.
Coding change: c.1593_1594dup on transcript NM_001875.5 (MANE Select); coding-DNA positions 1593 to 1594, 2 bases duplicated (GA; older notation c.1593_1594dupGA).
Protein change: p.Lys532fs; shifts the reading frame from lysine 532.
Molecular consequence: frameshift variant. On other transcripts: non-coding transcript variant (2).
Genome position (GRCh38, 1-based): chr2:210,600,598-210,600,599, GA duplicated. VCF-style (leftmost placement, unchanged base first): chr2-210600597-T-TGA. GRCh37 (hg19) VCF-style: chr2-211465321-T-TGA.
Other names: c.1593_1594dup, p.Lys532fs (NM_001122633.3, NM_001369257.1); c.1626_1627dup, p.Lys543fs (NM_001369256.1); short protein forms K532fs, K543fs.
Identifiers: ClinVar variation 5006203 (VCV005006203.2).

ClinVar aggregate classification (germline): Likely pathogenic (1 of 4 stars; one submission).

Conditions:
Pulmonary hypertension, neonatal, susceptibility to (PHN). Identifiers: MedGen C3714958, MONDO:0014151, OMIM 615371.
Congenital hyperammonemia, type I. Also called: CPS I DEFICIENCY; Carbamoyl phosphate synthetase I deficiency disease; Carbamoyl-phosphate synthase I deficiency; Carbamoyl phosphate synthetase 1 deficiency; Hyperammonemia due to carbamoyl phosphate synthetase 1 deficiency; CPS 1 deficiency. Identifiers: Orphanet 147, MedGen C4082171, MONDO:0009376, OMIM 237300.

Submission:

Juno Genomics, Hangzhou Juno Genomics, Inc
Classification: Likely pathogenic for Pulmonary hypertension, neonatal, susceptibility to; Congenital hyperammonemia, type I. Review status: criteria provided, single submitter. Criteria: ACMG Guidelines, 2015. Collection method: clinical testing. Allele origin: germline.
Comment: Null variant in a gene where loss of function (LOF) is a known mechanism of disease.;Absent from controls (or at extremely low frequency if recessive) in Genome Aggregation Database.